The following is an entry in ClinVar:

ClinVar aggregate classification (germline): Uncertain significance (1 of 4 stars; one submission).

gnomAD v4.1: 2 of 1,610,824 alleles (0.00012%); highest among the groups gnomAD compares: Admixed American, 0.0033%; no homozygotes.

Submission:

Greenwood Genetic Center Diagnostic Laboratories, Greenwood Genetic Center
Classification: Uncertain significance. Last evaluated: 2026-04-29. Review status: criteria provided, single submitter. Criteria: ACMG Guidelines, 2015. Collection method: clinical testing. Allele origin: germline.
Comment: PM2

NM_018136.5(ASPM):c.380A>T (p.Asn127Ile)

Gene: ASPM (assembly factor for spindle microtubules; minus strand). Cytogenetic location: 1q31.3.
Variant type: single nucleotide variant.
Coding change: c.380A>T on transcript NM_018136.5 (MANE Select); coding-DNA position 380, A replaced by T.
Protein change: p.Asn127Ile; replaces asparagine 127 with isoleucine.
Molecular consequence: missense variant.
Genome position (GRCh38, 1-based): chr1:197,144,018, T>A on the plus strand (A>T on the coding strand, the complement: ASPM is on the minus strand). VCF-style: chr1-197144018-T-A. GRCh37 (hg19) VCF-style: chr1-197113148-T-A.
Other names: c.380A>T, p.Asn127Ile (NM_001206846.2); short protein forms N127I.
Identifiers: ClinVar variation 4891048 (VCV004891048.1).
Genomic context (GRCh38, chr1:197,144,018, plus strand): 5'-TTTTTCTTTTTCTGCTCTTCTGCATTTCCTAGTAATATAGCTTGGTGTTTCAGAACATCA[T>A]TTACAAGAAATGTCATAATCTCTCTTACTCGGCCTTCTTTGAGTGGTGTCCAGTTAACAG-3'
Protein context (NP_060606.3, residues 117-137): RVREIMTFLV[Asn127Ile]DVLKHQAILL